The following is an entry in ClinVar:

NM_005751.5(AKAP9):c.177_263dup (p.Leu87_His88insGlnSerGlnCysAsnGluMetTyrIleAsnSerSerGlnArgValGluSerThrValIleProGluSerThrIleMetArgThrLeu)

Gene: AKAP9 (A-kinase anchoring protein 9; plus strand). Cytogenetic location: 7q21.2.
Variant type: Duplication.
Coding change: c.177_263dup on transcript NM_005751.5 (MANE Select); coding-DNA positions 177 to 263, 87 bases duplicated.
Protein change: p.Leu87_His88insGlnSerGlnCysAsnGluMetTyrIleAsnSerSerGlnArgValGluSerThrValIleProGluSerThrIleMetArgThrLeu.
Molecular consequence: inframe indel (on NM_005751.4).
Genome position (GRCh38, 1-based): chr7:91,973,839-91,973,925, 87 bases duplicated. GRCh37 (hg19): chr7:91,603,153-91,603,239.
Other names: c.177_263dup, p.Leu87_His88insGlnSerGlnCysAsnGluMetTyrIleAsnSerSerGlnArgValGluSerThrValIleProGluSerThrIleMetArgThrLeu (NM_147185.3); c.177_263dupATCACAGTGTAATGAAATGTACATAAATAGTTCTCAGAGAGTAGAATCAACTGTGATTCCTGAATCTACAATAATGAGAACTCTACA (NM_005751.4).
Identifiers: ClinVar variation 4265105 (VCV004265105.1).

ClinVar aggregate classification (germline): Uncertain significance (1 of 4 stars; one submission).

Conditions:
Cardiovascular phenotype. Identifiers: MedGen CN230736.

Submission:

Ambry Genetics
Classification: Uncertain significance for Cardiovascular phenotype. Last evaluated: 2025-07-24. Review status: criteria provided, single submitter. Criteria: Ambry Variant Classification Scheme 2023. Collection method: clinical testing. Allele origin: germline.
Comment: The c.177_263dup87 variant (also known as p.Q59_L87dup), located in coding exon 2 of the AKAP9 gene, results from an in-frame duplication of 87 nucleotides at nucleotide positions 177 to 263. This results in the duplication of 29 extra residues (QSQCNEMYINSSQRVESTVIPESTIMRTL) between codons 59 and 87. This amino acid region is not well conserved in available vertebrate species. In addition, this variant is predicted to be deleterious by in silico analysis (Choi Y et al. PLoS ONE. 2012; 7(10):e46688). The evidence for this gene-disease relationship is limited; therefore, the clinical significance of this alteration is unclear.